The following is an entry in ClinVar:

ClinVar aggregate classification (germline): Likely benign (0 of 4 stars; one submission).

Conditions:
MYOM2-related disorder. Also called: MYOM2-related condition.

Allele frequency attached by ClinVar (database versions not stated): 1000 Genomes Project 0.00040; TOPMed 0.00044; 1000 Genomes Project 30x 0.00047; gnomAD 0.00057; ESP Exome Variant Server 0.00062; gnomAD exomes 0.00089; ExAC 0.00097.
gnomAD v4.1: 1,364 of 1,614,058 alleles (0.085%); highest among the groups gnomAD compares: South Asian, 0.37%; 3 homozygotes.

Submission:

PreventionGenetics, part of Exact Sciences
Classification: Likely benign for MYOM2-related condition. Last evaluated: 2022-03-09. Review status: no assertion criteria provided. Collection method: clinical testing. Allele origin: germline.
Comment: This variant is classified as likely benign based on ACMG/AMP sequence variant interpretation guidelines (Richards et al. 2015 PMID: 25741868, with internal and published modifications).

NM_003970.4(MYOM2):c.370G>A (p.Asp124Asn)

Gene: MYOM2 (myomesin 2; plus strand). Cytogenetic location: 8p23.3.
Variant type: single nucleotide variant.
Coding change: c.370G>A on transcript NM_003970.4 (MANE Select); coding-DNA position 370, G replaced by A.
Protein change: p.Asp124Asn; replaces aspartic acid 124 with asparagine.
Molecular consequence: missense variant.
Genome position (GRCh38, 1-based): chr8:2,057,454, G>A. VCF-style: chr8-2057454-G-A. GRCh37 (hg19) VCF-style: chr8-2005572-G-A.
Other names: short protein forms D124N.
Identifiers: ClinVar variation 3042957 (VCV003042957.2), dbSNP rs34897824, ClinGen allele CA170441941.